The following is an entry in ClinVar:

NM_018847.4(KLHL9):c.844A>G (p.Met282Val)

Gene: KLHL9 (kelch like family member 9; minus strand). Cytogenetic location: 9p21.3.
Variant type: single nucleotide variant.
Coding change: c.844A>G on transcript NM_018847.4 (MANE Select); coding-DNA position 844, A replaced by G.
Protein change: p.Met282Val; replaces methionine 282 with valine.
Molecular consequence: missense variant.
Genome position (GRCh38, 1-based): chr9:21,334,016, T>C on the plus strand (A>G on the coding strand, the complement: KLHL9 is on the minus strand). VCF-style: chr9-21334016-T-C. GRCh37 (hg19) VCF-style: chr9-21334015-T-C.
Other names: short protein forms M282V.
Identifiers: ClinVar variation 1519981 (VCV001519981.8), dbSNP rs755761257, ClinGen allele CA5010583.

ClinVar aggregate classification (germline): Uncertain significance (1 of 4 stars; one submission).

Allele frequency attached by ClinVar (database versions not stated): gnomAD exomes 0.00005; ExAC 0.00008.
gnomAD v4.1: 31 of 1,614,208 alleles (0.0019%); highest among the groups gnomAD compares: South Asian, 0.033%; 1 homozygote.

Submission:

Labcorp Genetics (formerly Invitae), Labcorp
Classification: Uncertain significance. Last evaluated: 2022-06-27. Review status: criteria provided, single submitter. Criteria: Invitae Variant Classification Sherloc (09022015). Collection method: clinical testing. Allele origin: germline.
Comment: In summary, the available evidence is currently insufficient to determine the role of this variant in disease. Therefore, it has been classified as a Variant of Uncertain Significance. Algorithms developed to predict the effect of missense changes on protein structure and function are either unavailable or do not agree on the potential impact of this missense change (SIFT: "Not Available"; PolyPhen-2: "Benign"; Align-GVGD: "Not Available"). This variant has not been reported in the literature in individuals affected with KLHL9-related conditions. This variant is present in population databases (rs755761257, gnomAD 0.04%). This sequence change replaces methionine, which is neutral and non-polar, with valine, which is neutral and non-polar, at codon 282 of the KLHL9 protein (p.Met282Val).